The following is an entry in ClinVar:

ClinVar aggregate classification (germline): Uncertain significance. Review status: criteria provided, multiple submitters, no conflicts (2 of 4 stars). 6 submissions from 6 submitters: Uncertain significance (5). 1 of the submissions does not count toward it. Last evaluated 2026-02-24.

Conditions:
Classic or attenuated familial adenomatous polyposis. Identifiers: MedGen CN372698, MONDO:0021057.
Hereditary cancer-predisposing syndrome. Also called: Hereditary neoplastic syndrome; Hereditary Cancer Syndrome; Tumor predisposition; Neoplastic Syndromes, Hereditary. Identifiers: Orphanet 140162, MedGen C0027672, MeSH D009386, MONDO:0015356.
Familial adenomatous polyposis 1 (FAP1). Also called: FAMILIAL ADENOMATOUS POLYPOSIS 1, ATTENUATED; POLYPOSIS, ADENOMATOUS INTESTINAL. Identifiers: MedGen C2713442, MONDO:0021056, OMIM 175100. Disease mechanism: loss of function.
Carcinoma of colon (CRC). Also called: Colon carcinoma; Colonic carcinoma. Identifiers: MedGen C0699790, MONDO:0002032.

Allele frequency attached by ClinVar (database versions not stated): gnomAD exomes below 0.00001; ExAC 0.00001.
gnomAD v4.1: 1 of 1,613,758 alleles (0.000062%); no homozygotes.

Submissions (6):

Ambry Genetics
Classification: Uncertain significance for Hereditary cancer-predisposing syndrome. Last evaluated: 2026-02-24. Review status: criteria provided, single submitter. Criteria: Ambry Variant Classification Scheme 2023. Collection method: clinical testing. Allele origin: germline.
Comment: The c.10G>C (p.A4P) alteration is located in exon 2 (coding exon 1) of the APC gene. This alteration results from a G to C substitution at nucleotide position 10, causing the alanine (A) at amino acid position 4 to be replaced by a proline (P). Based on data from gnomAD, the C allele has an overall frequency of <0.001% (1/251352) total alleles studied. The highest observed frequency was 0.005% (1/18392) of East Asian alleles. Based on insufficient or conflicting evidence, the clinical significance of this alteration remains unclear.

Labcorp Genetics (formerly Invitae), Labcorp
Classification: Uncertain significance for Familial adenomatous polyposis 1. Last evaluated: 2024-08-07. Review status: criteria provided, single submitter. Criteria: Invitae Variant Classification Sherloc (09022015). Collection method: clinical testing. Allele origin: germline.
Comment: This sequence change replaces alanine, which is neutral and non-polar, with proline, which is neutral and non-polar, at codon 4 of the APC protein (p.Ala4Pro). This variant is present in population databases (rs774219012, gnomAD 0.006%). This variant has not been reported in the literature in individuals affected with APC-related conditions. ClinVar contains an entry for this variant (Variation ID: 411481). Advanced modeling of protein sequence and biophysical properties (such as structural, functional, and spatial information, amino acid conservation, physicochemical variation, residue mobility, and thermodynamic stability) performed at Invitae indicates that this missense variant is not expected to disrupt APC protein function with a negative predictive value of 95%. In summary, the available evidence is currently insufficient to determine the role of this variant in disease. Therefore, it has been classified as a Variant of Uncertain Significance.

GeneDx
Classification: Uncertain significance. Last evaluated: 2023-11-08. Review status: criteria provided, single submitter. Criteria: GeneDx Variant Classification Process June 2021. Collection method: clinical testing. Allele origin: germline. Affected: yes.
Comment: Not observed at significant frequency in large population cohorts (gnomAD); In silico analysis supports that this missense variant has a deleterious effect on protein structure/function; Has not been previously published as pathogenic or benign to our knowledge

All of Us Research Program, National Institutes of Health
Classification: Uncertain significance for Classic or attenuated familial adenomatous polyposis. Last evaluated: 2023-06-08. Review status: criteria provided, single submitter. Criteria: ACMG Guidelines, 2015. Collection method: clinical testing. Allele origin: germline. Inheritance: Autosomal dominant inheritance. Observed: 2 variant alleles, 2 heterozygotes.
Comment: This missense variant replaces alanine with proline at codon 4 of the APC protein. Computational prediction suggests that this variant may not impact protein structure and function (internally defined REVEL score threshold <= 0.5, PMID: 27666373). To our knowledge, functional studies have not been reported for this variant. This variant has not been reported in individuals affected with APC-related disorders in the literature. This variant has been identified in 1/251352 chromosomes in the general population by the Genome Aggregation Database (gnomAD). The available evidence is insufficient to determine the role of this variant in disease conclusively. Therefore, this variant is classified as a Variant of Uncertain Significance.

This study involves interpretation of variants in research participants for the purpose of population health screening. Participant phenotype was not available at the time of variant classification. Additional details can be found in publication PMID: 35346344, PMCID: PMC8962531

Color Diagnostics, LLC DBA Color Health
Classification: Uncertain significance for Hereditary cancer-predisposing syndrome. Last evaluated: 2023-03-30. Review status: criteria provided, single submitter. Criteria: ACMG Guidelines, 2015. Collection method: clinical testing. Allele origin: germline.
Comment: This missense variant replaces alanine with proline at codon 4 of the APC protein. Computational prediction suggests that this variant may not impact protein structure and function (internally defined REVEL score threshold <= 0.5, PMID: 27666373). To our knowledge, functional studies have not been reported for this variant. This variant has not been reported in individuals affected with APC-related disorders in the literature. This variant has been identified in 1/251352 chromosomes in the general population by the Genome Aggregation Database (gnomAD). The available evidence is insufficient to determine the role of this variant in disease conclusively. Therefore, this variant is classified as a Variant of Uncertain Significance.

3DMed Clinical Laboratory Inc
Classification: Uncertain significance for Carcinoma of colon. Last evaluated: 2017-08-11. Review status: no assertion criteria provided. Criteria: ACMG Guidelines, 2015. Collection method: clinical testing. Allele origin: germline. Affected: yes. Not counted in ClinVar's aggregate classification.

NM_000038.6(APC):c.10G>C (p.Ala4Pro)

Gene: APC (APC regulator of Wnt signaling pathway; plus strand). Cytogenetic location: 5q22.2.
Variant type: single nucleotide variant.
Coding change: c.10G>C on transcript NM_000038.6 (MANE Select); coding-DNA position 10, G replaced by C.
Protein change: p.Ala4Pro; replaces alanine 4 with proline.
Molecular consequence: missense variant. On other transcripts: 5 prime UTR variant (1), intron variant (8).
Genome position (GRCh38, 1-based): chr5:112,754,900, G>C. VCF-style: chr5-112754900-G-C. GRCh37 (hg19) VCF-style: chr5-112090597-G-C.
Other names: c.10G>C, p.Ala4Pro (NM_001127510.3, NM_001354895.2, NM_001354896.2 and 2 more transcripts); c.-1026G>C (NM_001354906.2); c.166-11426G>C (NM_001354897.2, NM_001354902.2, NM_001127511.3); c.61-11426G>C (NM_001354898.2, NM_001354904.2); c.-42-11426G>C (NM_001354900.2, NM_001354901.2, NM_001354905.2); short protein forms A4P.
Identifiers: ClinVar variation 411481 (VCV000411481.25), dbSNP rs774219012, ClinGen allele CA026700.